The following is an entry in ClinVar:

NM_194318.4(B3GLCT):c.*889A>G

Gene: B3GLCT (beta 3-glucosyltransferase; plus strand). Cytogenetic location: 13q12.3.
Variant type: single nucleotide variant.
Coding change: c.*889A>G on transcript NM_194318.4 (MANE Select); 889 bases downstream of the stop codon, A replaced by G.
Molecular consequence: 3 prime UTR variant.
Genome position (GRCh38, 1-based): chr13:31,330,557, A>G. VCF-style: chr13-31330557-A-G. GRCh37 (hg19) VCF-style: chr13-31904694-A-G.
Other names: NC_000013.10:g.31904694A>G.
Identifiers: ClinVar variation 881994 (VCV000881994.6), dbSNP rs2025729, ClinGen allele CA247893062.

ClinVar aggregate classification (germline): Benign. Review status: criteria provided, multiple submitters, no conflicts (2 of 4 stars). 2 submissions from 2 submitters: Benign (2). Last evaluated 2018-01-12.

Conditions:
Peters plus syndrome. Also called: KRAUSE-KIVLIN SYNDROME. Identifiers: Orphanet 709, MedGen C0796012, MONDO:0009856, OMIM 261540.

Allele frequency attached by ClinVar (database versions not stated): 1000 Genomes Project 0.61901.

Submissions (4):

Illumina Laboratory Services, Illumina
Classification: Benign for Peters plus syndrome. Last evaluated: 2018-01-12. Review status: criteria provided, single submitter. Criteria: ICSL Variant Classification Criteria 13 December 2019. Collection method: clinical testing. Allele origin: germline.
Comment: This variant was observed in the ICSL laboratory as part of a predisposition screen in an ostensibly healthy population. It had not been previously curated by ICSL or reported in the Human Gene Mutation Database (HGMD: prior to June 1st, 2018), and was therefore a candidate for classification through an automated scoring system. Utilizing variant allele frequency, disease prevalence and penetrance estimates, and inheritance mode, an automated score was calculated to assess if this variant is too frequent to cause the disease. Based on the score and internal cut-off values, a variant classified as benign is not then subjected to further curation. The score for this variant resulted in a classification of benign for this disease.

Breakthrough Genomics
Classification: Benign. Review status: criteria provided, single submitter. Criteria: ACMG Guidelines, 2015. Collection method: not provided. Allele origin: germline. Inheritance: Autosomal recessive inheritance. Affected: yes.

Dr. Peter K. Rogan Lab, Western University
No classification provided (evidence only). Condition: Cervical cancer. Review status: no classification provided. Collection method: in vitro. Allele origin: not applicable. Functional consequence: retained intron. Not counted in ClinVar's aggregate classification.

Dr. Peter K. Rogan Lab, Western University
No classification provided (evidence only). Condition: Uterine carcinosarcoma. Review status: no classification provided. Collection method: in vitro. Allele origin: not applicable. Functional consequence: retained intron. Not counted in ClinVar's aggregate classification.